The following is an entry in ClinVar:

ClinVar aggregate classification (germline): Uncertain significance. Review status: criteria provided, multiple submitters, no conflicts (2 of 4 stars). 2 submissions from 2 submitters: Uncertain significance (2). Last evaluated 2025-12-23.

Conditions:
FBN2-related disorder. Also called: FBN2-related condition.
Congenital contractural arachnodactyly (CCA). Also called: BEALS SYNDROME; Beals-Hecht syndrome; Arthrogryposis, distal, type 9. Identifiers: Orphanet 115, MedGen C0220668, MONDO:0007363, OMIM 121050.

Allele frequency attached by ClinVar (database versions not stated): gnomAD exomes below 0.00001.
gnomAD v4.1: 1 of 1,613,720 alleles (0.000062%); highest among the groups gnomAD compares: Non-Finnish European, 0.000085%; no homozygotes.

Submissions (2):

PreventionGenetics, part of Exact Sciences
Classification: Uncertain significance for FBN2-related condition. Last evaluated: 2025-12-23. Review status: criteria provided, single submitter. Criteria: ACMG Guidelines, 2015. Collection method: clinical testing. Allele origin: germline.
Comment: The FBN2 c.4268C>T variant is predicted to result in the amino acid substitution p.Ala1423Val. To our knowledge, this variant has not been reported in the literature or in a large population database (gnomAD), indicating this variant is rare. At this time, the clinical significance of this variant is uncertain due to the absence of conclusive functional and genetic evidence.

Labcorp Genetics (formerly Invitae), Labcorp
Classification: Uncertain significance for Congenital contractural arachnodactyly. Last evaluated: 2023-01-18. Review status: criteria provided, single submitter. Criteria: Invitae Variant Classification Sherloc (09022015). Collection method: clinical testing. Allele origin: germline.
Comment: Advanced modeling of protein sequence and biophysical properties (such as structural, functional, and spatial information, amino acid conservation, physicochemical variation, residue mobility, and thermodynamic stability) performed at Invitae indicates that this missense variant is expected to disrupt FBN2 protein function. This sequence change replaces alanine, which is neutral and non-polar, with valine, which is neutral and non-polar, at codon 1423 of the FBN2 protein (p.Ala1423Val). This variant is not present in population databases (gnomAD no frequency). This variant has not been reported in the literature in individuals affected with FBN2-related conditions. In summary, the available evidence is currently insufficient to determine the role of this variant in disease. Therefore, it has been classified as a Variant of Uncertain Significance.

NM_001999.4(FBN2):c.4268C>T (p.Ala1423Val)

Gene: FBN2 (fibrillin 2; minus strand). Cytogenetic location: 5q23.3.
Variant type: single nucleotide variant.
Coding change: c.4268C>T on transcript NM_001999.4 (MANE Select); coding-DNA position 4268, C replaced by T.
Protein change: p.Ala1423Val; replaces alanine 1423 with valine.
Molecular consequence: missense variant.
Genome position (GRCh38, 1-based): chr5:128,330,650, G>A on the plus strand (C>T on the coding strand, the complement: FBN2 is on the minus strand). VCF-style: chr5-128330650-G-A. GRCh37 (hg19) VCF-style: chr5-127666342-G-A.
Other names: c.4268C>T (NM_001999.3); short protein forms A1423V.
Identifiers: ClinVar variation 2806624 (VCV002806624.4), dbSNP rs2479786573, ClinGen allele CA360754111.